The following is an entry in ClinVar:

NM_033116.6(NEK9):c.486A>G (p.Ser162=)

Gene: NEK9 (NIMA related kinase 9; minus strand). Cytogenetic location: 14q24.3.
Variant type: single nucleotide variant.
Coding change: c.486A>G on transcript NM_033116.6 (MANE Select); coding-DNA position 486, A replaced by G.
Protein change: p.Ser162=; no amino-acid change (serine 162 retained).
Molecular consequence: synonymous variant.
Genome position (GRCh38, 1-based): chr14:75,120,548, T>C on the plus strand (A>G on the coding strand, the complement: NEK9 is on the minus strand). VCF-style: chr14-75120548-T-C. GRCh37 (hg19) VCF-style: chr14-75587251-T-C.
Other names: c.486A>G, p.Ser162= (NM_001329237.2); c.132A>G, p.Ser44= (NM_001329238.2); c.486A>G (NM_033116.5).
Identifiers: ClinVar variation 715505 (VCV000715505.4), dbSNP rs200004115, ClinGen allele CA7277217.

ClinVar aggregate classification (germline): Likely benign. Review status: criteria provided, multiple submitters, no conflicts (2 of 4 stars). 2 submissions from 2 submitters: Likely benign (2). Last evaluated 2024-12-30.

Conditions:
NEK9-related disorder. Also called: NEK9-related condition.

Allele frequency attached by ClinVar (database versions not stated): ESP Exome Variant Server 0.00015; gnomAD 0.00023 and 0.00025; TOPMed 0.00024.
gnomAD v4.1: 598 of 1,612,862 alleles (0.037%); highest among the groups gnomAD compares: Non-Finnish European, 0.048%; no homozygotes.

Submissions (2):

PreventionGenetics, part of Exact Sciences
Classification: Likely benign for NEK9-related condition. Last evaluated: 2024-12-30. Review status: criteria provided, single submitter. Criteria: ACMG Guidelines, 2015. Collection method: clinical testing. Allele origin: germline.
Comment: This variant is classified as likely benign based on ACMG/AMP sequence variant interpretation guidelines (Richards et al. 2015 PMID: 25741868, with internal and published modifications).

Labcorp Genetics (formerly Invitae), Labcorp
Classification: Likely benign. Last evaluated: 2018-04-17. Review status: criteria provided, single submitter. Criteria: Invitae Variant Classification Sherloc (09022015). Collection method: clinical testing. Allele origin: germline.